The following is an entry in ClinVar:

NM_030943.4(AMN):c.513+2T>C

Gene: AMN (amnion associated transmembrane protein; plus strand). Cytogenetic location: 14q32.32.
Variant type: single nucleotide variant.
Coding change: c.513+2T>C on transcript NM_030943.4 (MANE Select); the canonical splice donor site of the intron after coding-DNA position 513, T replaced by C.
Molecular consequence: splice donor variant.
Genome position (GRCh38, 1-based): chr14:102,928,977, T>C. VCF-style: chr14-102928977-T-C. GRCh37 (hg19) VCF-style: chr14-103395314-T-C.
Identifiers: ClinVar variation 3014418 (VCV003014418.3), dbSNP rs374958235, ClinGen allele CA267175069.

ClinVar aggregate classification (germline): Likely pathogenic (1 of 4 stars; one submission).

Conditions:
Imerslund-Grasbeck syndrome. Also called: Megaloblastic anemia due to inborn errors of metabolism; ENTEROCYTE COBALAMIN MALABSORPTION; ENTEROCYTE INTRINSIC FACTOR RECEPTOR, DEFECT OF; PERNICIOUS ANEMIA, JUVENILE, DUE TO SELECTIVE INTESTINAL MALABSORPTION OF VITAMIN B12, WITH PROTEINURIA; Imerslund-Gräsbeck syndrome. Identifiers: Orphanet 35858, MedGen C4551825, MONDO:0009853.

Allele frequency attached by ClinVar (database versions not stated): gnomAD exomes 0.00001.
gnomAD v4.1: 6 of 1,598,042 alleles (0.00038%); highest among the groups gnomAD compares: South Asian, 0.0055%; no homozygotes.

Submission:

Labcorp Genetics (formerly Invitae), Labcorp
Classification: Likely pathogenic for Imerslund-Grasbeck syndrome. Last evaluated: 2023-02-11. Review status: criteria provided, single submitter. Criteria: Invitae Variant Classification Sherloc (09022015). Collection method: clinical testing. Allele origin: germline.
Comment: This variant is present in population databases (rs374958235, gnomAD 0.02%). This sequence change affects a donor splice site in intron 5 of the AMN gene. It is expected to disrupt RNA splicing. Variants that disrupt the donor or acceptor splice site typically lead to a loss of protein function (PMID: 16199547), and loss-of-function variants in AMN are known to be pathogenic (PMID: 12590260, 22929189). This variant has not been reported in the literature in individuals affected with AMN-related conditions. Algorithms developed to predict the effect of sequence changes on RNA splicing suggest that this variant may disrupt the consensus splice site. In summary, the currently available evidence indicates that the variant is pathogenic, but additional data are needed to prove that conclusively. Therefore, this variant has been classified as Likely Pathogenic.

Literature cited by the submitters: PubMed 16199547; PubMed 12590260; PubMed 22929189.